The following is an entry in ClinVar:

ClinVar aggregate classification (germline): Pathogenic (1 of 4 stars; one submission).

Conditions:
Hereditary nonpolyposis colorectal neoplasms. Identifiers: MedGen C0009405, MeSH D003123.

Submission:

Labcorp Genetics (formerly Invitae), Labcorp
Classification: Pathogenic for Hereditary nonpolyposis colorectal neoplasms. Last evaluated: 2022-04-18. Review status: criteria provided, single submitter. Criteria: Invitae Variant Classification Sherloc (09022015). Collection method: clinical testing. Allele origin: germline.
Comment: For these reasons, this variant has been classified as Pathogenic. This variant has not been reported in the literature in individuals affected with MSH6-related conditions. This variant is not present in population databases (gnomAD no frequency). This sequence change creates a premature translational stop signal (p.Asn789*) in the MSH6 gene. It is expected to result in an absent or disrupted protein product. Loss-of-function variants in MSH6 are known to be pathogenic (PMID: 18269114, 24362816).

Literature cited by the submitters: PubMed 18269114; PubMed 24362816.

NM_000179.3(MSH6):c.2364dup (p.Asn789Ter)

Gene: MSH6 (mutS homolog 6; plus strand). Cytogenetic location: 2p16.3.
Variant type: Duplication.
Coding change: c.2364dup on transcript NM_000179.3 (MANE Select); coding-DNA position 2364, one base duplicated (T; older notation c.2364dupT).
Protein change: p.Asn789Ter; replaces asparagine 789 with a stop codon.
Molecular consequence: nonsense. On other transcripts: frameshift variant (33).
Genome position (GRCh38, 1-based): chr2:47,800,347, T duplicated; the last of 2 consecutive T bases (chr2:47,800,346-47,800,347); duplicating either gives the same sequence. VCF-style (leftmost placement, unchanged base first): chr2-47800345-A-AT. GRCh37 (hg19) VCF-style: chr2-48027484-A-AT.
Other names: c.1974dup, p.Asn659Ter (NM_001281492.2); c.1458dup, p.Asn487Ter (NM_001281493.2, NM_001281494.2); c.2460dup, p.Asn821Terfs (NM_001406795.1, NM_001406802.1); c.2364dup, p.Asn789Terfs (NM_001406796.1, NM_001406798.1, NM_001406800.1 and 2 more transcripts); c.2067dup, p.Asn690Terfs (NM_001406797.1, NM_001406801.1, NM_001406805.1 and 10 more transcripts); c.1839dup, p.Asn614Terfs (NM_001406799.1, NM_001406806.1, NM_001406807.1); c.2286dup, p.Asn763Terfs (NM_001406804.1); c.1458dup, p.Asn487Terfs (NM_001406811.1, NM_001406812.1, NM_001406814.1 and 4 more transcripts); and 2 more; short protein forms N789*, N487*, N659*.
Identifiers: ClinVar variation 2127849 (VCV002127849.4), dbSNP rs2530667404, ClinGen allele CA2580067837.